The following is an entry in ClinVar:

ClinVar aggregate classification (germline): Likely benign (1 of 4 stars; one submission).

gnomAD v4.1: 245 of 1,614,172 alleles (0.015%); highest among the groups gnomAD compares: African/African-American, 0.31%; no homozygotes.

Submission:

CeGaT Center for Human Genetics Tuebingen
Classification: Likely benign. Last evaluated: 2026-09-01. Review status: criteria provided, single submitter. Criteria: CeGaT Center For Human Genetics Tuebingen Variant Classification Criteria Version 2. Collection method: clinical testing. Allele origin: germline. Affected: yes. Observed: 1 variant allele.
Comment: NDC1: BP4, BP7

NM_018087.5(NDC1):c.1398C>T (p.Asn466=)

Gene: NDC1 (NDC1 transmembrane nucleoporin; minus strand). Cytogenetic location: 1p32.3.
Variant type: single nucleotide variant.
Coding change: c.1398C>T on transcript NM_018087.5 (MANE Select); coding-DNA position 1398, C replaced by T.
Protein change: p.Asn466=; no amino-acid change (asparagine 466 retained).
Molecular consequence: synonymous variant. On other transcripts: non-coding transcript variant (1).
Genome position (GRCh38, 1-based): chr1:53,796,969, G>A on the plus strand (C>T on the coding strand, the complement: NDC1 is on the minus strand). VCF-style: chr1-53796969-G-A. GRCh37 (hg19) VCF-style: chr1-54262642-G-A.
Other names: c.1278C>T, p.Asn426= (NM_001168551.2).
Identifiers: ClinVar variation 5041196 (VCV005041196.1).
Genomic context (GRCh38, chr1:53,796,969, plus strand): 5'-TGTCCACAATCTTGGCCCCCTTCTTATTAGCTGAGGACTTTGCGGTGACCCATAGCAGGT[G>A]TTTACATCAAAAATTCCAGCCATCCGATTCATTACACTAGAGCCAAATGGGGTCCCAAAT-3'
Protein context (NP_060557.3, residues 456-476): MNRMAGIFDV[Asn466=]TCYGSPQSPQ